The following is an entry in ClinVar:

NM_001376.5(DYNC1H1):c.8851G>A (p.Ala2951Thr)

Gene: DYNC1H1 (dynein cytoplasmic 1 heavy chain 1; plus strand). Cytogenetic location: 14q32.31.
Variant type: single nucleotide variant.
Coding change: c.8851G>A on transcript NM_001376.5 (MANE Select); coding-DNA position 8851, G replaced by A.
Protein change: p.Ala2951Thr; replaces alanine 2951 with threonine.
Molecular consequence: missense variant.
Genome position (GRCh38, 1-based): chr14:102,027,253, G>A. VCF-style: chr14-102027253-G-A. GRCh37 (hg19) VCF-style: chr14-102493590-G-A.
Other names: p.Ala2951Thr; short protein forms A2951T.
Identifiers: ClinVar variation 2683280 (VCV002683280.5), dbSNP rs2503803525, ClinGen allele CA391010046.
Genomic context (GRCh38, chr14:102,027,253, plus strand): 5'-GGCCACTTGCTTCTGATTGGTGTTAGTGGAGCAGGAAAAACTACCCTGTCTCGTTTCGTC[G>A]CCTGGATGAACGGTTTGAGTGTGTACCAGATTAAGGTGCGTCTGGTCGGTGGCCTCTTAA-3'
Protein context (NP_001367.2, residues 2941-2961): AGKTTLSRFV[Ala2951Thr]WMNGLSVYQI

ClinVar aggregate classification (germline): Uncertain significance. Review status: criteria provided, multiple submitters, no conflicts (2 of 4 stars). 3 submissions from 3 submitters: Uncertain significance (3). Last evaluated 2024-11-08.

Conditions:
Charcot-Marie-Tooth disease axonal type 2O. Also called: Charcot-Marie-Tooth disease, axonal, type 20; CHARCOT-MARIE-TOOTH NEUROPATHY, AXONAL, TYPE 2O; CHARCOT-MARIE-TOOTH DISEASE, AXONAL, AUTOSOMAL DOMINANT, TYPE 2O; Charcot-Marie-Tooth Neuropathy Type 2O. Identifiers: Orphanet 284232, MedGen C3280220, MONDO:0013644, OMIM 614228.

Allele frequency attached by ClinVar (database versions not stated): gnomAD exomes below 0.00001.
gnomAD v4.1: 7 of 1,614,026 alleles (0.00043%); highest among the groups gnomAD compares: South Asian, 0.0011%; no homozygotes.

Submissions (3):

GeneDx
Classification: Uncertain significance. Last evaluated: 2024-11-08. Review status: criteria provided, single submitter. Criteria: GeneDx Variant Classification Process June 2021. Collection method: clinical testing. Allele origin: germline. Affected: yes.
Comment: Not observed at significant frequency in large population cohorts (gnomAD); In silico analysis supports that this missense variant has a deleterious effect on protein structure/function; Has not been previously published as pathogenic or benign to our knowledge; This variant is associated with the following publications: (PMID: 25512093, 25609763, 26100331)

Mayo Clinic Laboratories, Mayo Clinic
Classification: Uncertain significance. Last evaluated: 2023-03-06. Review status: criteria provided, single submitter. Criteria: ACMG Guidelines, 2015. Collection method: clinical testing. Allele origin: germline. Observed: 1 variant allele.
Comment: PM2

Labcorp Genetics (formerly Invitae), Labcorp
Classification: Uncertain significance for Charcot-Marie-Tooth disease axonal type 2O. Last evaluated: 2022-11-02. Review status: criteria provided, single submitter. Criteria: Invitae Variant Classification Sherloc (09022015). Collection method: clinical testing. Allele origin: germline.
Comment: This variant is not present in population databases (gnomAD no frequency). This variant has not been reported in the literature in individuals affected with DYNC1H1-related conditions. Advanced modeling of protein sequence and biophysical properties (such as structural, functional, and spatial information, amino acid conservation, physicochemical variation, residue mobility, and thermodynamic stability) performed at Invitae indicates that this missense variant is expected to disrupt DYNC1H1 protein function. In summary, the available evidence is currently insufficient to determine the role of this variant in disease. Therefore, it has been classified as a Variant of Uncertain Significance. This sequence change replaces alanine, which is neutral and non-polar, with threonine, which is neutral and polar, at codon 2951 of the DYNC1H1 protein (p.Ala2951Thr).